The following is an entry in ClinVar:

NM_002860.4(ALDH18A1):c.2283G>A (p.Lys761=)

Gene: ALDH18A1 (aldehyde dehydrogenase 18 family member A1; minus strand). Cytogenetic location: 10q24.1.
Variant type: single nucleotide variant.
Coding change: c.2283G>A on transcript NM_002860.4 (MANE Select); coding-DNA position 2283, G replaced by A.
Protein change: p.Lys761=; no amino-acid change (lysine 761 retained).
Molecular consequence: synonymous variant.
Genome position (GRCh38, 1-based): chr10:95,606,867, C>T on the plus strand (G>A on the coding strand, the complement: ALDH18A1 is on the minus strand). VCF-style: chr10-95606867-C-T. GRCh37 (hg19) VCF-style: chr10-97366624-C-T.
Other names: c.2277G>A, p.Lys759= (NM_001017423.2, NM_001323415.2); c.1950G>A, p.Lys650= (NM_001323412.2, NM_001323416.2); c.2283G>A, p.Lys761= (NM_001323413.2, NM_001323414.2); c.2178G>A, p.Lys726= (NM_001323417.2); c.1944G>A, p.Lys648= (NM_001323418.2); c.1647G>A, p.Lys549= (NM_001323419.2).
Identifiers: ClinVar variation 2672409 (VCV002672409.23), dbSNP rs747072972, ClinGen allele CA5620090.

ClinVar aggregate classification (germline): Likely benign (1 of 4 stars; one submission).

Allele frequency attached by ClinVar (database versions not stated): gnomAD exomes below 0.00001; ExAC 0.00001.
gnomAD v4.1: 1 of 1,614,216 alleles (0.000062%); no homozygotes.

Submission:

CeGaT Center for Human Genetics Tuebingen
Classification: Likely benign. Last evaluated: 2023-11-01. Review status: criteria provided, single submitter. Criteria: CeGaT Center For Human Genetics Tuebingen Variant Classification Criteria Version 2. Collection method: clinical testing. Allele origin: germline. Affected: yes. Observed: 1 variant allele.
Comment: ALDH18A1: BP4, BP7